The following continues an entry in ClinVar:

NM_002528.7(NTHL1):c.503T>C (p.Ile168Thr)

Gene: NTHL1. ClinVar aggregate classification (germline): Conflicting classifications of pathogenicity. Uncertain significance (8); Likely benign (7).

Submissions 14 to 18 of 18:

ARUP Laboratories, Molecular Genetics and Genomics, ARUP Laboratories
Classification: Uncertain significance for Familial adenomatous polyposis 3. Last evaluated: 2021-07-05. Review status: criteria provided, single submitter. Criteria: ARUP Molecular Germline Variant Investigation Process 2021. Collection method: clinical testing. Allele origin: germline.
Comment: The NTHL1 c.503T>C; p.Ile168Thr variant (rs1805378), also known in alternative nomenclature as p.Ile176Thr, is reported in the literature in multiple heterozygous individuals affected with colorectal cancer or attenuated adenomatous polyposis, although none of these individuals carried a second reported NTHL1 variant (Belhadj 2019, Lorca 2019). This variant is found in the general population with an overall allele frequency of 0.18% (500/277380 alleles, including one homozygote) in the Genome Aggregation Database. The isoleucine at codon 168 is highly conserved, and computational analyses predict that this variant is deleterious (REVEL: 0.876). However, due to limited information, the clinical significance of the p.Ile168Thr variant is uncertain at this time. References: Belhadj et al. NTHL1 biallelic mutations seldom cause colorectal cancer, serrated polyposis or a multi-tumor phenotype, in absence of colorectal adenomas. Sci Rep. 2019 Jun 21;9(1):9020. PMID: 31227763. Lorca et al. Contribution of New Adenomatous Polyposis Predisposition Genes in an Unexplained Attenuated Spanish Cohort by Multigene Panel Testing. Sci Rep. 2019 Jul 8;9(1):9814.

Ambry Genetics
Classification: Likely benign for Hereditary cancer-predisposing syndrome. Last evaluated: 2020-02-18. Review status: criteria provided, single submitter. Criteria: Ambry Variant Classification Scheme 2023. Collection method: clinical testing. Allele origin: germline.

PreventionGenetics, part of Exact Sciences
Classification: Likely benign for NTHL1-related condition. Last evaluated: 2022-03-11. Review status: no assertion criteria provided. Collection method: clinical testing. Allele origin: germline. Not counted in ClinVar's aggregate classification.
Comment: This variant is classified as likely benign based on ACMG/AMP sequence variant interpretation guidelines (Richards et al. 2015 PMID: 25741868, with internal and published modifications).

Molecular Oncology Laboratory, Hospital Clínico San Carlos
Classification: Uncertain significance for Familial adenomatous polyposis 3. Last evaluated: 2018-06-01. Review status: no assertion criteria provided. Criteria: ACMG Guidelines, 2015. Collection method: clinical testing. Allele origin: germline. Inheritance: Autosomal recessive inheritance. Affected: yes. Not counted in ClinVar's aggregate classification.

Department of Pathology and Laboratory Medicine, Sinai Health System
Classification: Likely benign. Review status: no assertion criteria provided. Collection method: clinical testing. Allele origin: unknown. Affected: yes. Study: The Canadian Open Genetics Repository (COGR). Not counted in ClinVar's aggregate classification.
Comment: The NTHL1 p.I58T variant was not identified in the literature nor was it identified in Cosmic or LOVD 3.0. The variant was identified in dbSNP (ID: rs1805378) and in ClinVar (classified as uncertain significance by Molecular Oncology Laboratory, Hospital Clâˆšâ‰ nico San Carlos for Familial adenomatous polyposis 3). The variant was also identified in control databases in 500 of 277380 chromosomes (1 homozygous) at a frequency of 0.001803 increasing the likelihood this could be a low frequency benign variant (Genome Aggregation Database March 6, 2019, v2.1.1). The variant was observed in the following populations: Ashkenazi Jewish in 56 of 10282 chromosomes (freq: 0.005446), Latino in 107 of 35394 chromosomes (freq: 0.003023), Other in 17 of 7160 chromosomes (freq: 0.002374), European (non-Finnish) in 279 of 127442 chromosomes (freq: 0.002189), South Asian in 23 of 30596 chromosomes (freq: 0.000752), European (Finnish) in 9 of 21854 chromosomes (freq: 0.000412), African in 7 of 24764 chromosomes (freq: 0.000283), and East Asian in 2 of 19888 chromosomes (freq: 0.000101). The p.Ile58 residue is conserved in mammals but not in more distantly related organisms, and computational analyses (PolyPhen-2, SIFT, AlignGVGD, BLOSUM, MutationTaster) suggest that the variant may impact the protein; however, this information is not predictive enough to assume pathogenicity. The variant occurs outside of the splicing consensus sequence and in silico or computational prediction software programs (SpliceSiteFinder, MaxEntScan, NNSPLICE, GeneSplicer) do not predict a difference in splicing. In summary, based on the above information the clinical significance of this variant cannot be determined with certainty at this time although we would lean towards a more benign role for this variant. This variant is classified as likely benign.

Literature cited by the submitters: PubMed 37727376 (cited by Hema, HEMA – Genetic and Molecular Diagnostic Laboratory and Quest Diagnostics Nichols Institute San Juan Capistrano); PubMed 33454955 (cited by 4 submitters); PubMed 31227763 (cited by 4 submitters); PubMed 31243857 (cited by Center for Genomic Medicine, Rigshospitalet, Copenhagen University Hospital and Quest Diagnostics Nichols Institute San Juan Capistrano); PubMed 23852950 (cited by Center for Genomic Medicine, Rigshospitalet, Copenhagen University Hospital and Sema4); PubMed 29641532 (cited by Quest Diagnostics Nichols Institute San Juan Capistrano); PubMed 31068090 (cited by Quest Diagnostics Nichols Institute San Juan Capistrano); PubMed 32295625 (cited by Quest Diagnostics Nichols Institute San Juan Capistrano); PubMed 34326862 (cited by Quest Diagnostics Nichols Institute San Juan Capistrano); PubMed 35884425 (cited by Quest Diagnostics Nichols Institute San Juan Capistrano); PubMed 39907309 (cited by Quest Diagnostics Nichols Institute San Juan Capistrano); PubMed 33980861 (cited by Quest Diagnostics Nichols Institute San Juan Capistrano and Sema4); PubMed 37088804 (cited by Quest Diagnostics Nichols Institute San Juan Capistrano); PubMed 37460928 (cited by Quest Diagnostics Nichols Institute San Juan Capistrano); PubMed 31285513 (cited by 3 submitters); PubMed 32581083 (cited by Sema4).